The following is an entry in ClinVar:

ClinVar aggregate classification (germline): Pathogenic (1 of 4 stars; one submission).

Conditions:
Severe combined immunodeficiency due to IKK2 deficiency. Also called: IMMUNODEFICIENCY 15B; Immunodeficiency 15. Identifiers: Orphanet 397787, MedGen C4747743, MONDO:0014267, OMIM 615592.

Allele frequency attached by ClinVar (database versions not stated): gnomAD exomes below 0.00001; TOPMed below 0.00001.
gnomAD v4.1: 3 of 1,613,222 alleles (0.00019%); highest among the groups gnomAD compares: African/African-American, 0.0013%; no homozygotes.

Submission:

Labcorp Genetics (formerly Invitae), Labcorp
Classification: Pathogenic for Severe combined immunodeficiency due to IKK2 deficiency. Last evaluated: 2023-06-19. Review status: criteria provided, single submitter. Criteria: Invitae Variant Classification Sherloc (09022015). Collection method: clinical testing. Allele origin: germline.
Comment: This sequence change creates a premature translational stop signal (p.Arg579*) in the IKBKB gene. It is expected to result in an absent or disrupted protein product. Loss-of-function variants in IKBKB are known to be pathogenic (PMID: 24369075, 24679846). This variant is not present in population databases (gnomAD no frequency). This variant has not been reported in the literature in individuals affected with IKBKB-related conditions. For these reasons, this variant has been classified as Pathogenic.

Literature cited by the submitters: PubMed 24369075; PubMed 24679846.

NM_001556.3(IKBKB):c.1735C>T (p.Arg579Ter)

Gene: IKBKB (inhibitor of nuclear factor kappa B kinase subunit beta; plus strand). Cytogenetic location: 8p11.21.
Variant type: single nucleotide variant.
Coding change: c.1735C>T on transcript NM_001556.3 (MANE Select); coding-DNA position 1735, C replaced by T.
Protein change: p.Arg579Ter; replaces arginine 579 with a stop codon.
Molecular consequence: nonsense. On other transcripts: non-coding transcript variant (3).
Genome position (GRCh38, 1-based): chr8:42,321,942, C>T. VCF-style: chr8-42321942-C-T. GRCh37 (hg19) VCF-style: chr8-42179460-C-T.
Other names: c.1543C>T, p.Arg515Ter (NM_001190720.3); c.1558C>T, p.Arg520Ter (NM_001242778.2); short protein forms R520*, R515*, R579*.
Identifiers: ClinVar variation 3006118 (VCV003006118.3), dbSNP rs1819856886, ClinGen allele CA371092074.